The following is an entry in ClinVar:

ClinVar aggregate classification (germline): Uncertain significance (1 of 4 stars; one submission).

gnomAD v4.1: 1 of 1,614,018 alleles (0.000062%); highest among the groups gnomAD compares: Non-Finnish European, 0.000085%; no homozygotes.

Submission:

GeneDx
Classification: Uncertain significance. Last evaluated: 2025-05-14. Review status: criteria provided, single submitter. Criteria: GeneDx Variant Classification Process June 2021. Collection method: clinical testing. Allele origin: germline. Affected: yes.
Comment: Not observed at significant frequency in large population cohorts (gnomAD); In silico analysis supports that this missense variant has a deleterious effect on protein structure/function; Has not been previously published as pathogenic or benign to our knowledge

NM_016284.5(CNOT1):c.4751C>T (p.Pro1584Leu)

Gene: CNOT1 (CCR4-NOT transcription complex subunit 1; minus strand). Cytogenetic location: 16q21.
Variant type: single nucleotide variant.
Coding change: c.4751C>T on transcript NM_016284.5 (MANE Select); coding-DNA position 4751, C replaced by T.
Protein change: p.Pro1584Leu; replaces proline 1584 with leucine.
Molecular consequence: missense variant. On other transcripts: non-coding transcript variant (1).
Genome position (GRCh38, 1-based): chr16:58,541,550, G>A on the plus strand (C>T on the coding strand, the complement: CNOT1 is on the minus strand). VCF-style: chr16-58541550-G-A. GRCh37 (hg19) VCF-style: chr16-58575454-G-A.
Other names: c.4736C>T, p.Pro1579Leu (NM_001265612.2); short protein forms P1579L, P1584L.
Identifiers: ClinVar variation 4529551 (VCV004529551.1).